The following is an entry in ClinVar:

ClinVar aggregate classification (germline): Uncertain significance (1 of 4 stars; one submission).

Submission:

Labcorp Genetics (formerly Invitae), Labcorp
Classification: Uncertain significance. Last evaluated: 2026-01-26. Review status: criteria provided, single submitter. Criteria: Invitae Variant Classification Sherloc (09022015). Collection method: clinical testing. Allele origin: germline.
Comment: This sequence change replaces isoleucine, which is neutral and non-polar, with valine, which is neutral and non-polar, at codon 77 of the JAK2 protein (p.Ile77Val). This variant is not present in population databases (gnomAD no frequency). This variant has not been reported in the literature in individuals affected with JAK2-related conditions. ClinVar contains an entry for this variant (Variation ID: 2753596). An algorithm developed to predict the effect of missense changes on protein structure and function outputs the following: PolyPhen-2: "Benign". The valine amino acid residue is found in multiple mammalian species, which suggests that this missense change does not adversely affect protein function. In summary, the available evidence is currently insufficient to determine the role of this variant in disease. Therefore, it has been classified as a Variant of Uncertain Significance.

NM_004972.4(JAK2):c.229A>G (p.Ile77Val)

Genes: INSL6 (insulin like 6; minus strand), JAK2 (Janus kinase 2; plus strand). Cytogenetic location: 9p24.1.
Variant type: single nucleotide variant.
Coding change: c.229A>G on transcript NM_004972.4 (MANE Select); coding-DNA position 229, A replaced by G.
Protein change: p.Ile77Val; replaces isoleucine 77 with valine.
Molecular consequence: missense variant. On other transcripts: 5 prime UTR variant (2), non-coding transcript variant (2).
Genome position (GRCh38, 1-based): chr9:5,029,785, A>G. VCF-style: chr9-5029785-A-G. GRCh37 (hg19) VCF-style: chr9-5029785-A-G.
Other names: c.229A>G, p.Ile77Val (NM_001322194.2, NM_001322195.2, NM_001322196.2); c.-892A>G (NM_001322198.2, NM_001322199.2); short protein forms I77V.
Identifiers: ClinVar variation 2753596 (VCV002753596.3), dbSNP rs2488878770, ClinGen allele CA372821721.